The following is an entry in ClinVar:

ClinVar aggregate classification (germline): Uncertain significance. Review status: criteria provided, multiple submitters, no conflicts (2 of 4 stars). 4 submissions from 4 submitters: Uncertain significance (4). Last evaluated 2025-04-24.

Conditions:
Hereditary cancer-predisposing syndrome. Also called: Neoplastic Syndromes, Hereditary; Tumor predisposition; Hereditary neoplastic syndrome; Hereditary Cancer Syndrome. Identifiers: Orphanet 140162, MedGen C0027672, MeSH D009386, MONDO:0015356.
Lynch syndrome 5 (LYNCH5). Also called: Colorectal cancer, hereditary nonpolyposis, type 5; Hereditary non-polyposis colorectal cancer, type 5. Identifiers: Orphanet 144, MedGen C1833477, MONDO:0013710, OMIM 614350. Disease mechanism: loss of function.
Hereditary nonpolyposis colorectal neoplasms. Identifiers: MedGen C0009405, MeSH D003123.

Allele frequency attached by ClinVar (database versions not stated): gnomAD exomes 0.00001.
gnomAD v4.1: 3 of 1,614,090 alleles (0.00019%); highest among the groups gnomAD compares: East Asian, 0.0067%; no homozygotes.

Submissions (4):

Labcorp Genetics (formerly Invitae), Labcorp
Classification: Uncertain significance for Hereditary nonpolyposis colorectal neoplasms. Last evaluated: 2025-04-24. Review status: criteria provided, single submitter. Criteria: Invitae Variant Classification Sherloc (09022015). Collection method: clinical testing. Allele origin: germline.
Comment: This sequence change replaces serine, which is neutral and polar, with alanine, which is neutral and non-polar, at codon 664 of the MSH6 protein (p.Ser664Ala). This variant is not present in population databases (gnomAD no frequency). This variant has not been reported in the literature in individuals affected with MSH6-related conditions. ClinVar contains an entry for this variant (Variation ID: 578579). Invitae Evidence Modeling of protein sequence and biophysical properties (such as structural, functional, and spatial information, amino acid conservation, physicochemical variation, residue mobility, and thermodynamic stability) indicates that this missense variant is not expected to disrupt MSH6 protein function with a negative predictive value of 95%. In summary, the available evidence is currently insufficient to determine the role of this variant in disease. Therefore, it has been classified as a Variant of Uncertain Significance.

Color Diagnostics, LLC DBA Color Health
Classification: Uncertain significance for Hereditary cancer-predisposing syndrome. Last evaluated: 2024-01-22. Review status: criteria provided, single submitter. Criteria: ACMG Guidelines, 2015. Collection method: clinical testing. Allele origin: germline.
Comment: This missense variant replaces serine with alanine at codon 664 of the MSH6 protein. Computational prediction suggests that this variant may not impact protein structure and function (internally defined REVEL score threshold <= 0.5, PMID: 27666373). To our knowledge, functional studies have not been reported for this variant. This variant has not been reported in individuals affected with MSH6-related disorders in the literature. This variant has not been identified in the general population by the Genome Aggregation Database (gnomAD). The available evidence is insufficient to determine the role of this variant in disease conclusively. Therefore, this variant is classified as a Variant of Uncertain Significance.

KCCC/NGS Laboratory, Kuwait Cancer Control Center
Classification: Uncertain significance for Lynch syndrome 5. Last evaluated: 2023-07-07. Review status: criteria provided, single submitter. Criteria: ACMG Guidelines, 2015. Collection method: clinical testing. Allele origin: unknown. Affected: yes.
Comment: This sequence change replaces serine with alanine at codon 664 of the MSH6 protein. The serine residue is moderately conserved and there is a moderate physicochemical difference between serine and alanine. This variant is not present in population databases (ExAC has no frequency for this variant). To our knowledge, this variant has not been reported in the literature in individuals with MSH6-related disease. In silico simulators to predict the effect of missense changes on protein structure and function showed the following: SIFT: "Tolerated"; PolyPhen-2: "Benign"; Align-GVGD: "Class C0". In summary, the available evidence is currently insufficient to determine the role of this variant in disease. Therefore, it has been classified as a Variant of Uncertain Significance.

Ambry Genetics
Classification: Uncertain significance for Hereditary cancer-predisposing syndrome. Last evaluated: 2021-11-10. Review status: criteria provided, single submitter. Criteria: Ambry Variant Classification Scheme 2023. Collection method: clinical testing. Allele origin: germline.
Comment: The p.S664A variant (also known as c.1990T>G), located in coding exon 4 of the MSH6 gene, results from a T to G substitution at nucleotide position 1990. The serine at codon 664 is replaced by alanine, an amino acid with similar properties. This amino acid position is well conserved in available vertebrate species. In addition, this alteration is predicted to be tolerated by in silico analysis. Since supporting evidence is limited at this time, the clinical significance of this alteration remains unclear.

NM_000179.3(MSH6):c.1990T>G (p.Ser664Ala)

Gene: MSH6 (mutS homolog 6; plus strand). Cytogenetic location: 2p16.3.
Variant type: single nucleotide variant.
Coding change: c.1990T>G on transcript NM_000179.3 (MANE Select); coding-DNA position 1990, T replaced by G.
Protein change: p.Ser664Ala; replaces serine 664 with alanine.
Molecular consequence: missense variant.
Genome position (GRCh38, 1-based): chr2:47,799,973, T>G. VCF-style: chr2-47799973-T-G. GRCh37 (hg19) VCF-style: chr2-48027112-T-G.
Other names: c.1600T>G, p.Ser534Ala (NM_001281492.2); c.1084T>G, p.Ser362Ala (NM_001281493.2, NM_001281494.2); short protein forms S664A, S534A, S362A.
Identifiers: ClinVar variation 578579 (VCV000578579.12), dbSNP rs1558663809, ClinGen allele CA346750647.